The following is an entry in ClinVar:

ClinVar aggregate classification (germline): Uncertain significance (0 of 4 stars; one submission).

Conditions:
LRRIQ3-related disorder. Also called: LRRIQ3-related condition.

gnomAD v4.1: 4 of 1,412,244 alleles (0.00028%); highest among the groups gnomAD compares: South Asian, 0.0048%; no homozygotes.

Submission:

PreventionGenetics, part of Exact Sciences
Classification: Uncertain significance for LRRIQ3-related condition. Last evaluated: 2024-09-23. Review status: no assertion criteria provided. Collection method: clinical testing. Allele origin: germline.
Comment: The LRRIQ3 c.968C>A variant is predicted to result in premature protein termination (p.Ser323*). This variant has been reported in the homozygous state with an additional homozygous variant in a different gene in an individual with mild intellectual disability (Reuter et al. 2017. PubMed ID: 28097321). This variant has not been reported in a large population database, indicating this variant is rare. At this time, the clinical significance of this variant is uncertain due to the absence of conclusive functional and genetic evidence.

NM_001105659.2(LRRIQ3):c.968C>A (p.Ser323Ter)

Gene: LRRIQ3 (leucine rich repeats and IQ motif containing 3; minus strand). Cytogenetic location: 1p31.1.
Variant type: single nucleotide variant.
Coding change: c.968C>A on transcript NM_001105659.2 (MANE Select); coding-DNA position 968, C replaced by A.
Protein change: p.Ser323Ter; replaces serine 323 with a stop codon.
Molecular consequence: nonsense.
Genome position (GRCh38, 1-based): chr1:74,074,690, G>T on the plus strand (C>A on the coding strand, the complement: LRRIQ3 is on the minus strand). VCF-style: chr1-74074690-G-T. GRCh37 (hg19) VCF-style: chr1-74540374-G-T.
Other names: c.968C>A, p.Ser323Ter (NM_001322315.2); short protein forms S323*.
Identifiers: ClinVar variation 3358043 (VCV003358043.1).